The following is an entry in ClinVar:

NM_015629.4(PRPF31):c.1073+9C>T

Gene: PRPF31 (pre-mRNA processing factor 31; plus strand). Cytogenetic location: 19q13.42.
Variant type: single nucleotide variant.
Coding change: c.1073+9C>T on transcript NM_015629.4 (MANE Select); 9 bases into the intron after coding-DNA position 1073, C replaced by T.
Molecular consequence: intron variant.
Genome position (GRCh38, 1-based): chr19:54,128,209, C>T. VCF-style: chr19-54128209-C-T. GRCh37 (hg19) VCF-style: chr19-54631584-C-T.
Other names: c.1073+9C>T (NM_015629.3).
Identifiers: ClinVar variation 1900814 (VCV001900814.7), dbSNP rs758509934, ClinGen allele CA309329352.

ClinVar aggregate classification (germline): Likely benign. Review status: criteria provided, single submitter (1 of 4 stars). 2 submissions from 2 submitters: Likely benign (1). 1 of the submissions does not count toward it. Last evaluated 2025-10-20.

Conditions:
PRPF31-related disorder. Also called: PRPF31-related condition.

Allele frequency attached by ClinVar (database versions not stated): TOPMed 0.00004; gnomAD 0.00005; ExAC 0.00011.
gnomAD v4.1: 102 of 1,569,794 alleles (0.0065%); highest among the groups gnomAD compares: Non-Finnish European, 0.0083%; no homozygotes.

Submissions (2):

Labcorp Genetics (formerly Invitae), Labcorp
Classification: Likely benign. Last evaluated: 2025-10-20. Review status: criteria provided, single submitter. Criteria: Invitae Variant Classification Sherloc (09022015). Collection method: clinical testing. Allele origin: germline.

PreventionGenetics, part of Exact Sciences
Classification: Likely benign for PRPF31-related condition. Last evaluated: 2019-12-02. Review status: no assertion criteria provided. Collection method: clinical testing. Allele origin: germline. Not counted in ClinVar's aggregate classification.
Comment: This variant is classified as likely benign based on ACMG/AMP sequence variant interpretation guidelines (Richards et al. 2015 PMID: 25741868, with internal and published modifications).